The following is an entry in ClinVar:

NM_003640.5(ELP1):c.1612A>G (p.Met538Val)

Gene: ELP1 (elongator acetyltransferase complex subunit 1; minus strand). Cytogenetic location: 9q31.3.
Variant type: single nucleotide variant.
Coding change: c.1612A>G on transcript NM_003640.5 (MANE Select); coding-DNA position 1612, A replaced by G.
Protein change: p.Met538Val; replaces methionine 538 with valine.
Molecular consequence: missense variant.
Genome position (GRCh38, 1-based): chr9:108,906,334, T>C on the plus strand (A>G on the coding strand, the complement: ELP1 is on the minus strand). VCF-style: chr9-108906334-T-C. GRCh37 (hg19) VCF-style: chr9-111668614-T-C.
Other names: c.1270A>G, p.Met424Val (NM_001318360.2); c.565A>G, p.Met189Val (NM_001330749.2); short protein forms M189V, M538V, M424V.
Identifiers: ClinVar variation 2089200 (VCV002089200.4), dbSNP rs1564091969, ClinGen allele CA374427245.

ClinVar aggregate classification (germline): Uncertain significance (1 of 4 stars; one submission).

Allele frequency attached by ClinVar (database versions not stated): gnomAD exomes below 0.00001.
gnomAD v4.1: 1 of 1,614,008 alleles (0.000062%); highest among the groups gnomAD compares: East Asian, 0.0022%; no homozygotes.

Submission:

Labcorp Genetics (formerly Invitae), Labcorp
Classification: Uncertain significance. Last evaluated: 2022-11-01. Review status: criteria provided, single submitter. Criteria: Invitae Variant Classification Sherloc (09022015). Collection method: clinical testing. Allele origin: germline.
Comment: In summary, the available evidence is currently insufficient to determine the role of this variant in disease. Therefore, it has been classified as a Variant of Uncertain Significance. Algorithms developed to predict the effect of missense changes on protein structure and function output the following: SIFT: "Tolerated"; PolyPhen-2: "Benign"; Align-GVGD: "Class C0". The valine amino acid residue is found in multiple mammalian species, which suggests that this missense change does not adversely affect protein function. This variant has not been reported in the literature in individuals affected with ELP1-related conditions. This variant is not present in population databases (gnomAD no frequency). This sequence change replaces methionine, which is neutral and non-polar, with valine, which is neutral and non-polar, at codon 538 of the ELP1 protein (p.Met538Val).